The following is an entry in ClinVar:

NM_001267550.2(TTN):c.58958G>A (p.Arg19653Gln)

Genes: TTN (titin; minus strand), TTN-AS1 (TTN antisense RNA 1; plus strand). Cytogenetic location: 2q31.2.
Variant type: single nucleotide variant.
Coding change: c.58958G>A on transcript NM_001267550.2 (MANE Select); coding-DNA position 58958, G replaced by A.
Protein change: p.Arg19653Gln; replaces arginine 19653 with glutamine.
Molecular consequence: missense variant.
Genome position (GRCh38, 1-based): chr2:178,593,250, C>T on the plus strand (G>A on the coding strand, the complement: TTN is on the minus strand). VCF-style: chr2-178593250-C-T. GRCh37 (hg19) VCF-style: chr2-179457977-C-T.
Other names: c.54035G>A, p.Arg18012Gln (NM_001256850.1); c.31763G>A, p.Arg10588Gln (NM_003319.4); c.51254G>A, p.Arg17085Gln (NM_133378.4); c.32138G>A, p.Arg10713Gln (NM_133432.3); c.32339G>A, p.Arg10780Gln (NM_133437.4); c.58958G>A (NM_001267550.1); short protein forms R19653Q, R10713Q, R18012Q, R10780Q, R17085Q, R10588Q.
Identifiers: ClinVar variation 467318 (VCV000467318.4), dbSNP rs1398360418, ClinGen allele CA349500352.

ClinVar aggregate classification (germline): Uncertain significance. Review status: criteria provided, multiple submitters, no conflicts (2 of 4 stars). 2 submissions from 2 submitters: Uncertain significance (2). Last evaluated 2025-03-19.

Conditions:
Autosomal recessive limb-girdle muscular dystrophy type 2J (LGMDR10). Also called: Limb-girdle muscular dystrophy, type 2J; MUSCULAR DYSTROPHY, LIMB-GIRDLE, AUTOSOMAL RECESSIVE 10. Identifiers: Orphanet 140922, MedGen C1837342, MONDO:0012127, OMIM 608807.
Dilated cardiomyopathy 1G (CMD1G). Identifiers: Orphanet 154, MedGen C1858763, MONDO:0011400, OMIM 604145.

Allele frequency attached by ClinVar (database versions not stated): gnomAD below 0.00001 and 0.00001; gnomAD exomes 0.00001.
gnomAD v4.1: 6 of 1,613,180 alleles (0.00037%); highest among the groups gnomAD compares: South Asian, 0.0033%; no homozygotes.

Submissions (2):

GeneDx
Classification: Uncertain significance. Last evaluated: 2025-03-19. Review status: criteria provided, single submitter. Criteria: GeneDx Variant Classification Process June 2021. Collection method: clinical testing. Allele origin: germline. Affected: yes.
Comment: Not observed at significant frequency in large population cohorts (gnomAD); Missense variant in a gene in which most reported pathogenic variants are truncating/loss of function; Has not been previously published as pathogenic or benign to our knowledge

Labcorp Genetics (formerly Invitae), Labcorp
Classification: Uncertain significance for Dilated cardiomyopathy 1G; Autosomal recessive limb-girdle muscular dystrophy type 2J. Last evaluated: 2017-04-04. Review status: criteria provided, single submitter. Criteria: Invitae Variant Classification Sherloc (09022015). Collection method: clinical testing. Allele origin: germline.